The following is an entry in ClinVar:

ClinVar aggregate classification (germline): Uncertain significance. Review status: criteria provided, multiple submitters, no conflicts (2 of 4 stars). 2 submissions from 2 submitters: Uncertain significance (2). Last evaluated 2026-06-29.

Conditions:
Glycogen storage disease, type II (IOPD). Also called: Glycogen storage disease type 2; Acid maltase deficiency disease; Aglucosidase alfa; Deficiency of alpha-glucosidase; Deficiency of lysosomal alpha-glucosidase; POMPE DISEASE, INFANTILE-ONSET. Identifiers: Orphanet 365, MedGen C0017921, MONDO:0009290, OMIM 232300.

Allele frequency attached by ClinVar (database versions not stated): gnomAD exomes below 0.00001; ExAC 0.00001; gnomAD 0.00001.
gnomAD v4.1: 1 of 1,613,772 alleles (0.000062%); highest among the groups gnomAD compares: East Asian, 0.0022%; no homozygotes.

Submissions (2):

Women's Health and Genetics/Laboratory Corporation of America, LabCorp
Classification: Uncertain significance. Last evaluated: 2026-06-29. Review status: criteria provided, single submitter. Criteria: LabCorp Variant Classification Summary - May 2015. Collection method: clinical testing. Allele origin: germline.
Comment: Variant summary: GAA c.2223C>G (p.Asp741Glu) results in a conservative amino acid change in the encoded protein sequence. Algorithms developed to predict the effect of missense changes on protein structure and function are either unavailable or do not agree on the potential impact of this missense change. The variant allele was found at a frequency of 4e-06 in 250932 control chromosomes. The available data on variant occurrences in the general population are insufficient to allow any conclusion about variant significance. To our knowledge, no occurrence of c.2223C>G in individuals affected with GAA-related conditions and no experimental evidence demonstrating its impact on protein function have been reported. ClinVar contains an entry for this variant (Variation ID: 526539). Based on the evidence outlined above, the variant was classified as uncertain significance.

Labcorp Genetics (formerly Invitae), Labcorp
Classification: Uncertain significance for Glycogen storage disease, type II. Last evaluated: 2021-08-31. Review status: criteria provided, single submitter. Criteria: Invitae Variant Classification Sherloc (09022015). Collection method: clinical testing. Allele origin: germline.
Comment: This sequence change replaces aspartic acid with glutamic acid at codon 741 of the GAA protein (p.Asp741Glu). The aspartic acid residue is highly conserved and there is a small physicochemical difference between aspartic acid and glutamic acid. This variant is present in population databases (rs767773929, ExAC 0.01%). This variant has not been reported in the literature in individuals affected with GAA-related conditions. Algorithms developed to predict the effect of missense changes on protein structure and function (SIFT, PolyPhen-2, Align-GVGD) all suggest that this variant is likely to be disruptive. In summary, the available evidence is currently insufficient to determine the role of this variant in disease. Therefore, it has been classified as a Variant of Uncertain Significance.

NM_000152.5(GAA):c.2223C>G (p.Asp741Glu)

Gene: GAA (alpha glucosidase; plus strand). Cytogenetic location: 17q25.3.
Variant type: single nucleotide variant.
Coding change: c.2223C>G on transcript NM_000152.5 (MANE Select); coding-DNA position 2223, C replaced by G.
Protein change: p.Asp741Glu; replaces aspartic acid 741 with glutamic acid.
Molecular consequence: missense variant.
Genome position (GRCh38, 1-based): chr17:80,117,001, C>G. VCF-style: chr17-80117001-C-G. GRCh37 (hg19) VCF-style: chr17-78090800-C-G.
Other names: c.2223C>G (LRG_673t1); c.2223C>G, p.Asp741Glu (NM_001079803.3, NM_001079804.3); short protein forms D741E.
Identifiers: ClinVar variation 526539 (VCV000526539.4), dbSNP rs767773929, ClinGen allele CA8815661.
Genomic context (GRCh38, chr17:80,117,001, plus strand): 5'-ATGCCTGTGTGCCCATCCCCCTTGCAGGTTCCCCAAGGACTCTAGCACCTGGACTGTGGA[C>G]CACCAGCTCCTGTGGGGGGAGGCCCTGCTCATCACCCCAGTGCTCCAGGCCGGGAAGGCC-3'
Protein context (NP_000143.2, residues 731-751): FPKDSSTWTV[Asp741Glu]HQLLWGEALL